The following is an entry in ClinVar:

ClinVar aggregate classification (germline): Conflicting classifications of pathogenicity. Review status: criteria provided, conflicting classifications (1 of 4 stars). 2 submissions from 2 submitters: Uncertain significance (1); Likely benign (1). Last evaluated 2024-02-29.

Conditions:
Inborn genetic diseases. Identifiers: MedGen C0950123, MeSH D030342.
Charcot-Marie-Tooth disease type 4. Also called: Charcot-Marie-Tooth disease, type IV; Charcot-Marie-Tooth, Type 4. Identifiers: Orphanet 64749, MedGen C4082197, MONDO:0018995.

Allele frequency attached by ClinVar (database versions not stated): TOPMed 0.00004; ESP Exome Variant Server 0.00008.
gnomAD v4.1: 65 of 1,605,228 alleles (0.004%); highest among the groups gnomAD compares: Non-Finnish European, 0.00085%; no homozygotes.

Submissions (2):

Ambry Genetics
Classification: Likely benign for Inborn genetic diseases. Last evaluated: 2024-02-29. Review status: criteria provided, single submitter. Criteria: Ambry Variant Classification Scheme 2023. Collection method: clinical testing. Allele origin: germline.

Labcorp Genetics (formerly Invitae), Labcorp
Classification: Uncertain significance for Charcot-Marie-Tooth disease type 4. Last evaluated: 2022-05-04. Review status: criteria provided, single submitter. Criteria: Invitae Variant Classification Sherloc (09022015). Collection method: clinical testing. Allele origin: germline.
Comment: This sequence change replaces arginine, which is basic and polar, with serine, which is neutral and polar, at codon 1370 of the PRX protein (p.Arg1370Ser). The frequency data for this variant in the population databases is considered unreliable, as metrics indicate poor data quality at this position in the gnomAD database. This variant has not been reported in the literature in individuals affected with PRX-related conditions. ClinVar contains an entry for this variant (Variation ID: 570455). Algorithms developed to predict the effect of missense changes on protein structure and function output the following: SIFT: "Tolerated"; PolyPhen-2: "Possibly Damaging"; Align-GVGD: "Class C0". The serine amino acid residue is found in multiple mammalian species, which suggests that this missense change does not adversely affect protein function. In summary, the available evidence is currently insufficient to determine the role of this variant in disease. Therefore, it has been classified as a Variant of Uncertain Significance.

NM_181882.3(PRX):c.4108C>A (p.Arg1370Ser)

Gene: PRX (periaxin; minus strand). Cytogenetic location: 19q13.2.
Variant type: single nucleotide variant.
Coding change: c.4108C>A on transcript NM_181882.3 (MANE Select); coding-DNA position 4108, C replaced by A.
Protein change: p.Arg1370Ser; replaces arginine 1370 with serine.
Molecular consequence: missense variant. On other transcripts: 3 prime UTR variant (1).
Genome position (GRCh38, 1-based): chr19:40,394,244, G>T on the plus strand (C>A on the coding strand, the complement: PRX is on the minus strand). VCF-style: chr19-40394244-G-T. GRCh37 (hg19) VCF-style: chr19-40900151-G-T.
Other names: c.*4313C>A (NM_020956.2); short protein forms R1370S.
Identifiers: ClinVar variation 570455 (VCV000570455.9), dbSNP rs371438221, ClinGen allele CA9443699.